The following is an entry in ClinVar:

NM_007347.5(AP4E1):c.2239A>G (p.Lys747Glu)

Gene: AP4E1 (adaptor related protein complex 4 subunit epsilon 1; plus strand). Cytogenetic location: 15q21.2.
Variant type: single nucleotide variant.
Coding change: c.2239A>G on transcript NM_007347.5 (MANE Select); coding-DNA position 2239, A replaced by G.
Protein change: p.Lys747Glu; replaces lysine 747 with glutamic acid.
Molecular consequence: missense variant.
Genome position (GRCh38, 1-based): chr15:50,993,518, A>G. VCF-style: chr15-50993518-A-G. GRCh37 (hg19) VCF-style: chr15-51285715-A-G.
Other names: c.2014A>G, p.Lys672Glu (NM_001252127.2); short protein forms K747E, K672E.
Identifiers: ClinVar variation 450718 (VCV000450718.3), dbSNP rs1555462187, ClinGen allele CA392419518.

ClinVar aggregate classification (germline): Uncertain significance (1 of 4 stars; one submission).

Submission:

GeneDx
Classification: Uncertain significance. Last evaluated: 2019-08-27. Review status: criteria provided, single submitter. Criteria: GeneDx Variant Classification Process June 2021. Collection method: clinical testing. Allele origin: germline. Affected: yes.
Comment: Not observed in large population cohorts (Lek et al., 2016); In silico analysis, which includes protein predictors and evolutionary conservation, supports that this variant does not alter protein structure/function; Has not been previously published as pathogenic or benign to our knowledge